The following is an entry in ClinVar:

ClinVar aggregate classification (germline): Uncertain significance (1 of 4 stars; one submission).

Submission:

GeneDx
Classification: Uncertain significance. Last evaluated: 2024-05-26. Review status: criteria provided, single submitter. Criteria: GeneDx Variant Classification Process June 2021. Collection method: clinical testing. Allele origin: germline. Affected: yes.
Comment: In silico analysis supports that this missense variant has a deleterious effect on protein structure/function; Has not been previously published as pathogenic or benign to our knowledge

NM_015512.5(DNAH1):c.7976A>G (p.Asn2659Ser)

Gene: DNAH1 (dynein axonemal heavy chain 1; plus strand). Cytogenetic location: 3p21.1.
Variant type: single nucleotide variant.
Coding change: c.7976A>G on transcript NM_015512.5 (MANE Select); coding-DNA position 7976, A replaced by G.
Protein change: p.Asn2659Ser; replaces asparagine 2659 with serine.
Molecular consequence: missense variant.
Genome position (GRCh38, 1-based): chr3:52,383,420, A>G. VCF-style: chr3-52383420-A-G. GRCh37 (hg19) VCF-style: chr3-52417436-A-G.
Other names: short protein forms N2659S.
Identifiers: ClinVar variation 3383534 (VCV003383534.1).
Genomic context (GRCh38, chr3:52,383,420, plus strand): 5'-CTCCCCACTCCTTCACCCCTCCCCAGATCAAGAACGAATCCTTCCTGGAAGATATCAACA[A>G]CGTCCTAAACTCTGGTGACATTCCCAATCTGTATACTGCGGACGAGCAGGACCAGATCGT-3'
Protein context (NP_056327.4, residues 2649-2669): KNESFLEDIN[Asn2659Ser]VLNSGDIPNL